The following is an entry in ClinVar:

NM_002451.4(MTAP):c.*2522A>G

Gene: MTAP (methylthioadenosine phosphorylase; plus strand). Cytogenetic location: 9p21.3.
Variant type: single nucleotide variant.
Coding change: c.*2522A>G on transcript NM_002451.4 (MANE Select); 2522 bases downstream of the stop codon, A replaced by G.
Molecular consequence: 3 prime UTR variant.
Genome position (GRCh38, 1-based): chr9:21,864,536, A>G. VCF-style: chr9-21864536-A-G. GRCh37 (hg19) VCF-style: chr9-21864535-A-G.
Identifiers: ClinVar variation 366296 (VCV000366296.6), dbSNP rs3802394, ClinGen allele CA10633546.
Genomic context (GRCh38, chr9:21,864,536, plus strand): 5'-AGTGATTAATAGATTTGCATGTACATAGAAGTCTTTGTTGGCCTTATAATCTGCTGTTAT[A>G]TTTGGCATGGATTTTCATGGTTTTGAGAATGACATCCTGGCCCTGTGGTCCCCGAGGGTC-3'

ClinVar aggregate classification (germline): Benign. Review status: criteria provided, multiple submitters, no conflicts (2 of 4 stars). 2 submissions from 2 submitters: Benign (2). Last evaluated 2018-01-13.

Conditions:
Diaphyseal medullary stenosis-bone malignancy syndrome. Also called: MYOPATHY, LIMB-GIRDLE, WITH BONE FRAGILITY; BONE DYSPLASIA WITH MALIGNANT FIBROUS HISTIOCYTOMA; BONE DYSPLASIA WITH MEDULLARY FIBROSARCOMA. Identifiers: Orphanet 85182, MedGen C1862177, MONDO:0007205, OMIM 112250.

Allele frequency attached by ClinVar (database versions not stated): gnomAD exomes 0.19762; gnomAD 0.21540 and 0.21853; TOPMed 0.23010; 1000 Genomes Project 30x 0.26031; 1000 Genomes Project 0.26298.

Submissions (2):

Illumina Laboratory Services, Illumina
Classification: Benign for Diaphyseal medullary stenosis-bone malignancy syndrome. Last evaluated: 2018-01-13. Review status: criteria provided, single submitter. Criteria: ICSL Variant Classification Criteria 13 December 2019. Collection method: clinical testing. Allele origin: germline.
Comment: This variant was observed in the ICSL laboratory as part of a predisposition screen in an ostensibly healthy population. It had not been previously curated by ICSL or reported in the Human Gene Mutation Database (HGMD: prior to June 1st, 2018), and was therefore a candidate for classification through an automated scoring system. Utilizing variant allele frequency, disease prevalence and penetrance estimates, and inheritance mode, an automated score was calculated to assess if this variant is too frequent to cause the disease. Based on the score and internal cut-off values, a variant classified as benign is not then subjected to further curation. The score for this variant resulted in a classification of benign for this disease.

Breakthrough Genomics
Classification: Benign. Review status: criteria provided, single submitter. Criteria: ACMG Guidelines, 2015. Collection method: not provided. Allele origin: germline. Inheritance: Autosomal dominant inheritance. Affected: yes.